The following is an entry in ClinVar:

NM_000234.3(LIG1):c.308C>G (p.Ala103Gly)

Gene: LIG1 (DNA ligase 1; minus strand). Cytogenetic location: 19q13.33.
Variant type: single nucleotide variant.
Coding change: c.308C>G on transcript NM_000234.3 (MANE Select); coding-DNA position 308, C replaced by G.
Protein change: p.Ala103Gly; replaces alanine 103 with glycine.
Molecular consequence: missense variant. On other transcripts: non-coding transcript variant (6).
Genome position (GRCh38, 1-based): chr19:48,157,076, G>C on the plus strand (C>G on the coding strand, the complement: LIG1 is on the minus strand). VCF-style: chr19-48157076-G-C. GRCh37 (hg19) VCF-style: chr19-48660333-G-C.
Other names: c.218C>G, p.Ala73Gly (NM_001289063.2, NM_001320971.2); c.308C>G, p.Ala103Gly (NM_001289064.2, NM_001320970.2); short protein forms A103G, A73G.
Identifiers: ClinVar variation 1395343 (VCV001395343.7), dbSNP rs754885583, ClinGen allele CA9547358.

ClinVar aggregate classification (germline): Uncertain significance (1 of 4 stars; one submission).

Allele frequency attached by ClinVar (database versions not stated): gnomAD 0.00001; gnomAD exomes 0.00002; TOPMed 0.00002; ExAC 0.00003.
gnomAD v4.1: 36 of 1,613,078 alleles (0.0022%); highest among the groups gnomAD compares: South Asian, 0.018%; no homozygotes.

Submission:

Labcorp Genetics (formerly Invitae), Labcorp
Classification: Uncertain significance. Last evaluated: 2022-08-10. Review status: criteria provided, single submitter. Criteria: Invitae Variant Classification Sherloc (09022015). Collection method: clinical testing. Allele origin: germline.
Comment: Algorithms developed to predict the effect of missense changes on protein structure and function (SIFT, PolyPhen-2, Align-GVGD) all suggest that this variant is likely to be tolerated. In summary, the available evidence is currently insufficient to determine the role of this variant in disease. Therefore, it has been classified as a Variant of Uncertain Significance. ClinVar contains an entry for this variant (Variation ID: 1395343). This variant has not been reported in the literature in individuals affected with LIG1-related conditions. This variant is present in population databases (rs754885583, gnomAD 0.02%). This sequence change replaces alanine, which is neutral and non-polar, with glycine, which is neutral and non-polar, at codon 103 of the LIG1 protein (p.Ala103Gly).